The following is an entry in ClinVar:

NM_001367873.1(SOX6):c.703G>C (p.Glu235Gln)

Gene: SOX6 (SRY-box transcription factor 6; minus strand). Cytogenetic location: 11p15.2.
Variant type: single nucleotide variant.
Coding change: c.703G>C on transcript NM_001367873.1 (MANE Select); coding-DNA position 703, G replaced by C.
Protein change: p.Glu235Gln; replaces glutamic acid 235 with glutamine.
Molecular consequence: missense variant.
Genome position (GRCh38, 1-based): chr11:16,186,788, C>G on the plus strand (G>C on the coding strand, the complement: SOX6 is on the minus strand). VCF-style: chr11-16186788-C-G. GRCh37 (hg19) VCF-style: chr11-16208334-C-G.
Other names: c.703G>C, p.Glu235Gln (NM_001145811.2, NM_001145819.2, NM_001367872.1 and 2 more transcripts); short protein forms E235Q.
Identifiers: ClinVar variation 2505991 (VCV002505991.1), dbSNP rs1311447551, ClinGen allele CA379877697.

ClinVar aggregate classification (germline): Uncertain significance (1 of 4 stars; one submission).

Allele frequency attached by ClinVar (database versions not stated): TOPMed below 0.00001; gnomAD 0.00001.
gnomAD v4.1: 2 of 1,612,842 alleles (0.00012%); highest among the groups gnomAD compares: African/African-American, 0.0027%; no homozygotes.

Submission:

GeneDx
Classification: Uncertain significance. Last evaluated: 2022-12-19. Review status: criteria provided, single submitter. Criteria: GeneDx Variant Classification Process June 2021. Collection method: clinical testing. Allele origin: germline. Affected: yes.
Comment: Not observed at significant frequency in large population cohorts (gnomAD); In silico analysis supports that this missense variant does not alter protein structure/function; Has not been previously published as pathogenic or benign to our knowledge